The following is an entry in ClinVar:

NM_006121.4(KRT1):c.1669_1689del (p.Ser557_Gly563del)

Gene: KRT1 (keratin 1; minus strand). Cytogenetic location: 12q13.13.
Variant type: Deletion.
Coding change: c.1669_1689del on transcript NM_006121.4 (MANE Select); coding-DNA positions 1669 to 1689, 21 bases deleted (AGCAGCTACGGCTCCGGAGGT).
Protein change: p.Ser557_Gly563del.
Molecular consequence: inframe deletion.
Genome position (GRCh38, 1-based): chr12:52,675,439-52,675,459, ACCTCCGGAGCCGTAGCTGCT deleted on the plus strand (AGCAGCTACGGCTCCGGAGGT on the coding strand, the reverse complement: KRT1 is on the minus strand); deleting any 21 consecutive bases within chr12:52,675,439-52,675,471 gives the same sequence; the c. name uses the placement nearest the transcript's 3' end. VCF-style (leftmost placement, unchanged base first): chr12-52675438-CACCTCCGGAGCCGTAGCTGCT-C. GRCh37 (hg19) VCF-style: chr12-53069222-CACCTCCGGAGCCGTAGCTGCT-C.
Other names: c.1669_1689del21 (NM_006121.3).
Identifiers: ClinVar variation 66639 (VCV000066639.9), dbSNP rs267607656, ClinGen allele CA217440.

ClinVar aggregate classification (germline): Benign. Review status: criteria provided, multiple submitters, no conflicts (2 of 4 stars). 3 submissions from 3 submitters: Benign (2). 1 of the submissions does not count toward it. Last evaluated 2026-02-02.

Submissions (3):

Labcorp Genetics (formerly Invitae), Labcorp
Classification: Benign. Last evaluated: 2026-02-02. Review status: criteria provided, single submitter. Criteria: Invitae Variant Classification Sherloc (09022015). Collection method: clinical testing. Allele origin: germline.

GeneDx
Classification: Benign. Last evaluated: 2018-03-30. Review status: criteria provided, single submitter. Criteria: GeneDx Variant Classification (06012015). Collection method: clinical testing. Allele origin: germline. Affected: yes.
Comment: This variant is considered likely benign or benign based on one or more of the following criteria: it is a conservative change, it occurs at a poorly conserved position in the protein, it is predicted to be benign by multiple in silico algorithms, and/or has population frequency not consistent with disease.

Epithelial Biology;  Institute of Medical Biology, Singapore
No classification provided. Review status: no classification provided. Collection method: not provided. Allele origin: not provided. Not counted in ClinVar's aggregate classification.